The following is an entry in ClinVar:

ClinVar aggregate classification (germline): Pathogenic (1 of 4 stars; one submission).

Conditions:
Osteogenesis imperfecta type I (OI1). Also called: Lobstein disease; OI, TYPE I; OSTEOGENESIS IMPERFECTA TARDA; OSTEOGENESIS IMPERFECTA WITH BLUE SCLERAE; Osteogenesis imperfecta type 1; Classic Non-deforming Osteogenesis Imperfecta with Blue Sclerae. Identifiers: Orphanet 216796, Orphanet 666, MedGen C0023931, MONDO:0008146, OMIM 166200. Disease mechanism: loss of function.

Submission:

Labcorp Genetics (formerly Invitae), Labcorp
Classification: Pathogenic for Osteogenesis imperfecta type I. Last evaluated: 2025-12-11. Review status: criteria provided, single submitter. Criteria: Invitae Variant Classification Sherloc (09022015). Collection method: clinical testing. Allele origin: germline.
Comment: This sequence change affects an acceptor splice site in intron 29 of the COL1A1 gene. It is expected to disrupt RNA splicing. Variants that disrupt the donor or acceptor splice site typically lead to a loss of protein function (PMID: 16199547), and loss-of-function variants in COL1A1 are known to be pathogenic (PMID: 7942841, 9295084, 9443882). This variant is not present in population databases (gnomAD no frequency). Disruption of this splice site has been observed in individual(s) with osteogenesis imperfecta (PMID: 25963598, 27509835). ClinVar contains an entry for this variant (Variation ID: 2111921). Algorithms developed to predict the effect of sequence changes on RNA splicing suggest that this variant may disrupt the consensus splice site. For these reasons, this variant has been classified as Pathogenic.

Literature cited by the submitters: PubMed 16199547; PubMed 7942841; PubMed 9295084; PubMed 9443882; PubMed 25963598; PubMed 27509835.

NM_000088.4(COL1A1):c.1984-2A>G

Gene: COL1A1 (collagen type I alpha 1 chain; minus strand). Cytogenetic location: 17q21.33.
Variant type: single nucleotide variant.
Coding change: c.1984-2A>G on transcript NM_000088.4 (MANE Select); the canonical splice acceptor site of the intron before coding-DNA position 1984, A replaced by G.
Molecular consequence: splice acceptor variant.
Genome position (GRCh38, 1-based): chr17:50,192,026, T>C on the plus strand (A>G on the coding strand, the complement: COL1A1 is on the minus strand). VCF-style: chr17-50192026-T-C. GRCh37 (hg19) VCF-style: chr17-48269387-T-C.
Identifiers: ClinVar variation 2111921 (VCV002111921.4), dbSNP rs72651632, ClinGen allele CA400212647.